The following is an entry in ClinVar:

NM_019112.4(ABCA7):c.913C>T (p.Arg305Trp)

Gene: ABCA7 (ATP binding cassette subfamily A member 7; plus strand). Cytogenetic location: 19p13.3.
Variant type: single nucleotide variant.
Coding change: c.913C>T on transcript NM_019112.4 (MANE Select); coding-DNA position 913, C replaced by T.
Protein change: p.Arg305Trp; replaces arginine 305 with tryptophan.
Molecular consequence: missense variant.
Genome position (GRCh38, 1-based): chr19:1,043,456, C>T. VCF-style: chr19-1043456-C-T. GRCh37 (hg19) VCF-style: chr19-1043455-C-T.
Other names: short protein forms R305W.
Identifiers: ClinVar variation 1049008 (VCV001049008.1), dbSNP rs749959049, ClinGen allele CA9032805.
Genomic context (GRCh38, chr19:1,043,456, plus strand): 5'-AGACGCCTGAAGCCTCTGATCCTCGGGAAGCTACTCTTTGCACCAGATACACCTTTTACC[C>T]GGAAGCTCATGGCCCAGGTGGGGGCAGCCTGGATGCTGGGGTGGGAGGGTGGTGGCCAGA-3'
Protein context (NP_061985.2, residues 295-315): LLFAPDTPFT[Arg305Trp]KLMAQVNRTF

ClinVar aggregate classification (germline): Uncertain significance (0 of 4 stars; one submission).

Allele frequency attached by ClinVar (database versions not stated): ExAC 0.00002; gnomAD exomes 0.00002.
gnomAD v4.1: 15 of 1,613,142 alleles (0.00093%); highest among the groups gnomAD compares: Middle Eastern, 0.016%; no homozygotes.

Submission:

Department of Pathology and Laboratory Medicine, Sinai Health System
Classification: Uncertain significance. Review status: no assertion criteria provided. Collection method: clinical testing. Allele origin: unknown. Affected: yes. Study: The Canadian Open Genetics Repository (COGR).
Comment: The ABCA7 p.Arg305Trp variant was identified in dbSNP (ID: rs749959049) but was not identified in the literature or in ClinVar, Cosmic, or LOVD 3.0. The variant was identified in control databases in 7 of 282016 chromosomes (0 homozygous) at a frequency of 0.00002482 (Genome Aggregation Database March 6, 2019, v2.1.1). The variant was observed in the following populations: African in 4 of 24916 chromosomes (freq: 0.0001605), Latino in 2 of 35428 chromosomes (freq: 0.00005645) and East Asian in 1 of 19942 chromosomes (freq: 0.00005015but was not observed in t Ashkenazi Jewish, European (Finnish), European (non-Finnish), Other, or South Asian populations. The p.Arg305 residue is conserved is mammals and other organisms and four of five computational analyses (PolyPhen-2, SIFT, AlignGVGD, BLOSUM, MutationTaster) suggest that the variant will impact the protein. The variant occurs outside of the splicing consensus sequence and in silico or computational prediction software programs (SpliceSiteFinder, MaxEntScan, NNSPLICE, GeneSplicer) do not predict a difference in splicing. In summary, based on the above information the clinical significance of this variant cannot be determined with certainty at this time. This variant is classified as a variant of uncertain significance.